The following is an entry in ClinVar:

ClinVar aggregate classification (germline): Likely pathogenic (1 of 4 stars; one submission).

Conditions:
Ullrich congenital muscular dystrophy 1B (UCMD1B). Identifiers: MedGen C5935582, MONDO:0958235, OMIM 620727.

Submission:

Institute of Human Genetics, University of Leipzig Medical Center
Classification: Likely pathogenic for Ullrich congenital muscular dystrophy 1B. Last evaluated: 2026-02-11. Review status: criteria provided, single submitter. Criteria: ACMG Guidelines, 2015. Collection method: clinical testing. Allele origin: unknown. Inheritance: Autosomal recessive inheritance. Affected: yes.
Comment: Criteria applied: PM1_STR,PM2,PP3

NM_001849.4(COL6A2):c.1388G>T (p.Gly463Val)

Gene: COL6A2 (collagen type VI alpha 2 chain; plus strand). Cytogenetic location: 21q22.3.
Variant type: single nucleotide variant.
Coding change: c.1388G>T on transcript NM_001849.4 (MANE Select); coding-DNA position 1388, G replaced by T.
Protein change: p.Gly463Val; replaces glycine 463 with valine.
Molecular consequence: missense variant.
Genome position (GRCh38, 1-based): chr21:46,120,570, G>T. VCF-style: chr21-46120570-G-T. GRCh37 (hg19) VCF-style: chr21-47540484-G-T.
Other names: c.1388G>T, p.Gly463Val (NM_058174.3, NM_058175.3); short protein forms G463V.
Identifiers: ClinVar variation 4819148 (VCV004819148.1).
Genomic context (GRCh38, chr21:46,120,570, plus strand): 5'-CACAGGGGGACCCTGGCCCTGAGGGGCCCCGCGGCCTGGCTGGAGAGGTTGGCAACAAAG[G>T]AGCCAAGGTAGGGGAGCAGGGTGGGCCGCACCCCAAGGTAGGGGATCTGAGGGGGTGCAG-3'
Protein context (NP_001840.3, residues 453-473): RGLAGEVGNK[Gly463Val]AKGDRGLPGP